The following is an entry in ClinVar:

ClinVar aggregate classification (germline): Likely pathogenic. Review status: criteria provided, multiple submitters, no conflicts (2 of 4 stars). 2 submissions from 2 submitters: Likely pathogenic (2). Last evaluated 2025-02-15.

Allele frequency attached by ClinVar (database versions not stated): TOPMed below 0.00001; gnomAD exomes 0.00001; gnomAD 0.00001.
gnomAD v4.1: 5 of 1,609,334 alleles (0.00031%); highest among the groups gnomAD compares: Admixed American, 0.0017%; no homozygotes.

Submissions (2):

Dasa
Classification: Likely pathogenic. Last evaluated: 2025-02-15. Review status: criteria provided, single submitter. Criteria: DASA Assertion Criteria. Collection method: clinical testing. Allele origin: germline.
Comment: NM_001256545.2(MEGF10):c.1819C>T (p.Arg607*) is a nonsense variant in MEGF10 predicted to introduce a premature termination codon and is predicted to result in an absent or altered protein product. Loss of function is an established disease mechanism for MEGF10-associated disorders. Also, this variant is rare in population databases. Based on the currently available evidence, this variant is classified as likely pathogenic.

GeneDx
Classification: Likely pathogenic. Last evaluated: 2018-08-14. Review status: criteria provided, single submitter. Criteria: GeneDx Variant Classification (06012015). Collection method: clinical testing. Allele origin: germline. Affected: yes.
Comment: The R607X variant in the MEGF10 gene has not been reported previously as a disease-causing variant nor as a benign variant, to our knowledge. This variant is predicted to cause loss of normal protein function either through protein truncation or nonsense-mediated mRNA decay. The R607X variant is not observed at a significant frequency in large population cohorts (Lek et al., 2016). We interpret R607X as a likely pathogenic variant.

NM_001256545.2(MEGF10):c.1819C>T (p.Arg607Ter)

Gene: MEGF10 (multiple EGF like domains 10; plus strand). Cytogenetic location: 5q23.2.
Variant type: single nucleotide variant.
Coding change: c.1819C>T on transcript NM_001256545.2 (MANE Select); coding-DNA position 1819, C replaced by T.
Protein change: p.Arg607Ter; replaces arginine 607 with a stop codon.
Molecular consequence: nonsense.
Genome position (GRCh38, 1-based): chr5:127,433,488, C>T. VCF-style: chr5-127433488-C-T. GRCh37 (hg19) VCF-style: chr5-126769180-C-T.
Other names: c.1819C>T, p.Arg607Ter (NM_032446.3); short protein forms R607*.
Identifiers: ClinVar variation 620090 (VCV000620090.4), dbSNP rs1454219963, ClinGen allele CA360731646.
Genomic context (GRCh38, chr5:127,433,488, plus strand): 5'-TGTAAAAATGGGGCTTCATGCTCCCCTGATGATGGCATCTGCGAGTGTGCACCAGGCTTC[C>T]GAGGCACCACTTGTCAGAGGAGTAAGTGTCTCATTAGGCAGTAATTTCCACCTTCCCTTC-3'